The following is an entry in ClinVar:

ClinVar aggregate classification (germline): Pathogenic (1 of 4 stars; one submission).

Conditions:
Primary ciliary dyskinesia. Also called: Ciliary dyskinesia. Identifiers: Orphanet 244, MedGen C0008780, MONDO:0016575, HP:0012265.

Submission:

Labcorp Genetics (formerly Invitae), Labcorp
Classification: Pathogenic for Primary ciliary dyskinesia. Last evaluated: 2025-05-23. Review status: criteria provided, single submitter. Criteria: Invitae Variant Classification Sherloc (09022015). Collection method: clinical testing. Allele origin: germline.
Comment: This sequence change creates a premature translational stop signal (p.Thr1386Serfs*2) in the DNAH11 gene. It is expected to result in an absent or disrupted protein product. Loss-of-function variants in DNAH11 are known to be pathogenic (PMID: 18022865, 20513915, 22184204). This variant is not present in population databases (gnomAD no frequency). This variant has not been reported in the literature in individuals affected with DNAH11-related conditions. Algorithms developed to predict the effect of sequence changes on RNA splicing suggest that this variant may disrupt the consensus splice site. For these reasons, this variant has been classified as Pathogenic.

Literature cited by the submitters: PubMed 18022865; PubMed 20513915; PubMed 22184204.

NM_001277115.2(DNAH11):c.4157_4158del (p.Thr1386fs)

Gene: DNAH11 (dynein axonemal heavy chain 11; plus strand). Cytogenetic location: 7p15.3.
Variant type: Microsatellite.
Coding change: c.4157_4158del on transcript NM_001277115.2 (MANE Select); coding-DNA positions 4157 to 4158, 2 bases deleted (CA; older notation c.4157_4158delCA).
Protein change: p.Thr1386fs; shifts the reading frame from threonine 1386.
Molecular consequence: frameshift variant.
Genome position (GRCh38, 1-based): chr7:21,617,680-21,617,681, CA deleted; deleting any 2 consecutive bases within chr7:21,617,678-21,617,681 gives the same sequence; the c. name uses the placement nearest the transcript's 3' end. VCF-style (leftmost placement, unchanged base first): chr7-21617677-GCA-G. GRCh37 (hg19) VCF-style: chr7-21657295-GCA-G.
Other names: short protein forms T1386fs.
Identifiers: ClinVar variation 4774296 (VCV004774296.1).